The following is an entry in ClinVar:

ClinVar aggregate classification (germline): Uncertain significance (1 of 4 stars; one submission).

gnomAD v4.1: 3 of 1,600,658 alleles (0.00019%); highest among the groups gnomAD compares: African/African-American, 0.0013%; no homozygotes.

Submission:

Labcorp Genetics (formerly Invitae), Labcorp
Classification: Uncertain significance. Last evaluated: 2024-06-12. Review status: criteria provided, single submitter. Criteria: Invitae Variant Classification Sherloc (09022015). Collection method: clinical testing. Allele origin: germline.
Comment: This sequence change replaces alanine, which is neutral and non-polar, with glycine, which is neutral and non-polar, at codon 1376 of the ALPK3 protein (p.Ala1376Gly). This variant is not present in population databases (gnomAD no frequency). This variant has not been reported in the literature in individuals affected with ALPK3-related conditions. ClinVar contains an entry for this variant (Variation ID: 1942977). An algorithm developed to predict the effect of missense changes on protein structure and function (PolyPhen-2) suggests that this variant is likely to be disruptive. In summary, the available evidence is currently insufficient to determine the role of this variant in disease. Therefore, it has been classified as a Variant of Uncertain Significance.

NM_020778.5(ALPK3):c.3521C>G (p.Ala1174Gly)

Gene: ALPK3 (alpha kinase 3; plus strand). Cytogenetic location: 15q25.3.
Variant type: single nucleotide variant.
Coding change: c.3521C>G on transcript NM_020778.5 (MANE Select); coding-DNA position 3521, C replaced by G.
Protein change: p.Ala1174Gly; replaces alanine 1174 with glycine.
Molecular consequence: missense variant.
Genome position (GRCh38, 1-based): chr15:84,858,259, C>G. VCF-style: chr15-84858259-C-G. GRCh37 (hg19) VCF-style: chr15-85401490-C-G.
Other names: short protein forms A1174G.
Identifiers: ClinVar variation 1942977 (VCV001942977.5), dbSNP rs541005940, ClinGen allele CA273625620.